The following is an entry in ClinVar:

NM_000062.3(SERPING1):c.1029+926G>T

Gene: SERPING1 (serpin family G member 1; plus strand). Cytogenetic location: 11q12.1.
Variant type: single nucleotide variant.
Coding change: c.1029+926G>T on transcript NM_000062.3 (MANE Select); 926 bases into the intron after coding-DNA position 1029, G replaced by T.
Molecular consequence: intron variant.
Genome position (GRCh38, 1-based): chr11:57,607,473, G>T. VCF-style: chr11-57607473-G-T. GRCh37 (hg19) VCF-style: chr11-57374946-G-T.
Other names: c.1029+926G>T (NM_001032295.2).
Identifiers: ClinVar variation 983256 (VCV000983256.2), dbSNP rs11229067, ClinGen allele CA15685839.

ClinVar aggregate classification (germline): Benign (1 of 4 stars; one submission).

Conditions:
Hereditary angioedema type 1 (HAE1). Identifiers: Orphanet 100050, Orphanet 100051, Orphanet 91378, MedGen C2717906, MONDO:0015053, OMIM 106100.

Allele frequency attached by ClinVar (database versions not stated): 1000 Genomes Project 0.14916; 1000 Genomes Project 30x 0.15116; TOPMed 0.19599; gnomAD 0.21127 and 0.21283.
gnomAD v4.1: 32,202 of 152,044 alleles (21%); highest among the groups gnomAD compares: Non-Finnish European, 27%; 3,920 homozygotes.

Submission:

CeMIA
Classification: Benign for Hereditary angioedema type 1. Review status: criteria provided, single submitter. Criteria: ACMG Guidelines, 2015. Collection method: clinical testing. Allele origin: germline. Affected: yes.
Comment: This variant is considered likely benign or benign based on one or more of the following criteria: allele frequency is >5% in Exome Sequencing Project, 1000 Genomes Project, or Exome Aggregation Consortium (BA1), allele frequency is greater than expected for disorder (BS1), it is observed in a healthy adult individual (BS2), it is predicted to be benign by multiple in silico algorithms (BP4), it is found in a case with an alternate molecular basis for the disease (BP5) and/or reputable source recently reports variant as benign (BP6).

Literature cited by the submitters: PubMed 31959500.